The following is an entry in ClinVar:

ClinVar aggregate classification (germline): Uncertain significance. Review status: criteria provided, multiple submitters, no conflicts (2 of 4 stars). 2 submissions from 2 submitters: Uncertain significance (2). Last evaluated 2025-01-18.

Conditions:
Hereditary cancer-predisposing syndrome. Also called: Neoplastic Syndromes, Hereditary; Hereditary Cancer Syndrome; Hereditary neoplastic syndrome; Tumor predisposition. Identifiers: Orphanet 140162, MedGen C0027672, MeSH D009386, MONDO:0015356.
EGFR-related lung cancer (EGFR). Identifiers: MedGen CN130014.

Submissions (2):

Ambry Genetics
Classification: Uncertain significance for Hereditary cancer-predisposing syndrome. Last evaluated: 2025-01-18. Review status: criteria provided, single submitter. Criteria: Ambry Variant Classification Scheme 2023. Collection method: clinical testing. Allele origin: germline.
Comment: The p.D1006H variant (also known as c.3016G>C), located in coding exon 25 of the EGFR gene, results from a G to C substitution at nucleotide position 3016. The aspartic acid at codon 1006 is replaced by histidine, an amino acid with similar properties. This amino acid position is conserved. In addition, the in silico prediction for this alteration is inconclusive. Based on the available evidence, the clinical significance of this variant remains unclear.

Labcorp Genetics (formerly Invitae), Labcorp
Classification: Uncertain significance for EGFR-related lung cancer. Last evaluated: 2023-09-11. Review status: criteria provided, single submitter. Criteria: Invitae Variant Classification Sherloc (09022015). Collection method: clinical testing. Allele origin: germline.
Comment: In summary, the available evidence is currently insufficient to determine the role of this variant in disease. Therefore, it has been classified as a Variant of Uncertain Significance. Advanced modeling of protein sequence and biophysical properties (such as structural, functional, and spatial information, amino acid conservation, physicochemical variation, residue mobility, and thermodynamic stability) performed at Invitae indicates that this missense variant is not expected to disrupt EGFR protein function. This variant has not been reported in the literature in individuals affected with EGFR-related conditions. This variant is not present in population databases (gnomAD no frequency). This sequence change replaces aspartic acid, which is acidic and polar, with histidine, which is basic and polar, at codon 1006 of the EGFR protein (p.Asp1006His).

NM_005228.5(EGFR):c.3016G>C (p.Asp1006His)

Gene: EGFR (epidermal growth factor receptor; plus strand). Cytogenetic location: 7p11.2.
Variant type: single nucleotide variant.
Coding change: c.3016G>C on transcript NM_005228.5 (MANE Select); coding-DNA position 3016, G replaced by C.
Protein change: p.Asp1006His; replaces aspartic acid 1006 with histidine.
Molecular consequence: missense variant.
Genome position (GRCh38, 1-based): chr7:55,201,257, G>C. VCF-style: chr7-55201257-G-C. GRCh37 (hg19) VCF-style: chr7-55268950-G-C.
Other names: c.2881G>C, p.Asp961His (NM_001346897.2, NM_001346899.2); c.3016G>C, p.Asp1006His (NM_001346898.2); c.2857G>C, p.Asp953His (NM_001346900.2); c.2215G>C, p.Asp739His (NM_001346941.2); short protein forms D953H, D739H, D961H, D1006H.
Identifiers: ClinVar variation 2757411 (VCV002757411.4), dbSNP rs1787834617, ClinGen allele CA367582486.